The following is an entry in ClinVar:

NM_000311.5(PRNP):c.116C>T (p.Pro39Leu)

Gene: PRNP (prion protein (Kanno blood group); plus strand). Cytogenetic location: 20p13.
Variant type: single nucleotide variant.
Coding change: c.116C>T on transcript NM_000311.5 (MANE Select); coding-DNA position 116, C replaced by T.
Protein change: p.Pro39Leu; replaces proline 39 with leucine.
Molecular consequence: missense variant. On other transcripts: synonymous variant (1).
Genome position (GRCh38, 1-based): chr20:4,699,336, C>T. VCF-style: chr20-4699336-C-T. GRCh37 (hg19) VCF-style: chr20-4679982-C-T.
Other names: c.116C>T, p.Pro39Leu (NM_001080121.3, NM_001080122.3, NM_001080123.3 and 1 more transcripts); c.27C>T, p.Pro9= (NM_001271561.3); short protein forms P39L.
Identifiers: ClinVar variation 899178 (VCV000899178.12), dbSNP rs747019990, ClinGen allele CA9752012.
Genomic context (GRCh38, chr20:4,699,336, plus strand): 5'-TGGGCCTCTGCAAGAAGCGCCCGAAGCCTGGAGGATGGAACACTGGGGGCAGCCGATACC[C>T]GGGGCAGGGCAGCCCTGGAGGCAACCGCTACCCACCTCAGGGCGGTGGTGGCTGGGGGCA-3'
Protein context (NP_000302.1, residues 29-49): GGWNTGGSRY[Pro39Leu]GQGSPGGNRY

ClinVar aggregate classification (germline): Conflicting classifications of pathogenicity. Review status: criteria provided, conflicting classifications (1 of 4 stars). 2 submissions from 2 submitters: Uncertain significance (1); Benign (1). Last evaluated 2024-03-02.

Conditions:
Inherited prion disease. Identifiers: Orphanet 280400, MedGen C5679775, MONDO:0017234.
Huntington disease-like 1 (HDL1). Also called: HUNTINGTON-LIKE NEURODEGENERATIVE DISORDER 1; HUNTINGTON-LIKE NEURODEGENERATIVE DISORDER, AUTOSOMAL DOMINANT; PRION DISEASE, EARLY-ONSET, WITH PROMINENT PSYCHIATRIC FEATURES. Identifiers: Orphanet 157941, MedGen C1864112, MONDO:0011299, OMIM 603218.

Allele frequency attached by ClinVar (database versions not stated): gnomAD 0.00001; TOPMed 0.00002; ExAC 0.00003; gnomAD exomes 0.00004.
gnomAD v4.1: 25 of 1,613,602 alleles (0.0015%); highest among the groups gnomAD compares: African/African-American, 0.0027%; no homozygotes.

Submissions (2):

Labcorp Genetics (formerly Invitae), Labcorp
Classification: Uncertain significance for Huntington disease-like 1. Last evaluated: 2024-03-02. Review status: criteria provided, single submitter. Criteria: Invitae Variant Classification Sherloc (09022015). Collection method: clinical testing. Allele origin: germline.
Comment: This sequence change replaces proline, which is neutral and non-polar, with leucine, which is neutral and non-polar, at codon 39 of the PRNP protein (p.Pro39Leu). This variant is present in population databases (rs747019990, gnomAD 0.06%). This missense change has been observed in individual(s) with frontotemporal dementia (PMID: 25022973, 26757195). ClinVar contains an entry for this variant (Variation ID: 899178). Advanced modeling of protein sequence and biophysical properties (such as structural, functional, and spatial information, amino acid conservation, physicochemical variation, residue mobility, and thermodynamic stability) performed at Invitae indicates that this missense variant is not expected to disrupt PRNP protein function with a negative predictive value of 80%. In summary, the available evidence is currently insufficient to determine the role of this variant in disease. Therefore, it has been classified as a Variant of Uncertain Significance.

Illumina Laboratory Services, Illumina
Classification: Benign for Genetic prion diseases. Last evaluated: 2017-10-16. Review status: criteria provided, single submitter. Criteria: ICSL Variant Classification Criteria 13 December 2019. Collection method: clinical testing. Allele origin: germline.
Comment: This variant was observed as part of a predisposition screen in an ostensibly healthy population. A literature search was performed for the gene, cDNA change, and amino acid change (where applicable). No publications were found based on this search. Allele frequency data from public databases was too high to be consistent with this variant causing disease. Therefore, this variant is classified as benign.

Literature cited by the submitters: PubMed 25022973 (cited by Labcorp Genetics (formerly Invitae), Labcorp); PubMed 26757195 (cited by Labcorp Genetics (formerly Invitae), Labcorp).